The following is an entry in ClinVar:

ClinVar aggregate classification (germline): Uncertain significance (1 of 4 stars; one submission).

Conditions:
Methylmalonic aciduria and homocystinuria type cblF. Also called: COBALAMIN F DISEASE; COBALAMIN, DEFECT IN LYSOSOMAL RELEASE OF; METHYLMALONIC ACIDEMIA AND HOMOCYSTINURIA, cblF TYPE; METHYLMALONIC ACIDURIA DUE TO VITAMIN B12-RELEASE DEFECT; VITAMIN B12 LYSOSOMAL RELEASE DEFECT; VITAMIN B12 STORAGE DISEASE. Identifiers: Orphanet 79284, MedGen C1848578, MONDO:0010183, OMIM 277380.

Allele frequency attached by ClinVar (database versions not stated): gnomAD exomes below 0.00001; gnomAD 0.00001; TOPMed 0.00001.
gnomAD v4.1: 5 of 1,612,960 alleles (0.00031%); highest among the groups gnomAD compares: African/African-American, 0.0013%; no homozygotes.

Submission:

Labcorp Genetics (formerly Invitae), Labcorp
Classification: Uncertain significance for Methylmalonic aciduria and homocystinuria type cblF. Last evaluated: 2022-10-25. Review status: criteria provided, single submitter. Criteria: Invitae Variant Classification Sherloc (09022015). Collection method: clinical testing. Allele origin: germline.
Comment: In summary, the available evidence is currently insufficient to determine the role of this variant in disease. Therefore, it has been classified as a Variant of Uncertain Significance. Advanced modeling of protein sequence and biophysical properties (such as structural, functional, and spatial information, amino acid conservation, physicochemical variation, residue mobility, and thermodynamic stability) performed at Invitae indicates that this missense variant is expected to disrupt LMBRD1 protein function. ClinVar contains an entry for this variant (Variation ID: 1361168). This variant has not been reported in the literature in individuals affected with LMBRD1-related conditions. This variant is not present in population databases (gnomAD no frequency). This sequence change replaces serine, which is neutral and polar, with proline, which is neutral and non-polar, at codon 217 of the LMBRD1 protein (p.Ser217Pro).

NM_018368.4(LMBRD1):c.649T>C (p.Ser217Pro)

Gene: LMBRD1 (LMBR1 domain containing 1; minus strand). Cytogenetic location: 6q13.
Variant type: single nucleotide variant.
Coding change: c.649T>C on transcript NM_018368.4 (MANE Select); coding-DNA position 649, T replaced by C.
Protein change: p.Ser217Pro; replaces serine 217 with proline.
Molecular consequence: missense variant.
Genome position (GRCh38, 1-based): chr6:69,719,069, A>G on the plus strand (T>C on the coding strand, the complement: LMBRD1 is on the minus strand). VCF-style: chr6-69719069-A-G. GRCh37 (hg19) VCF-style: chr6-70428961-A-G.
Other names: c.430T>C, p.Ser144Pro (NM_001363722.2, NM_001367271.1, NM_001367272.1); short protein forms S217P, S144P.
Identifiers: ClinVar variation 1361168 (VCV001361168.8), dbSNP rs1766557026, ClinGen allele CA364669241.